The following is an entry in ClinVar:

ClinVar aggregate classification (germline): Benign/Likely benign. Review status: criteria provided, multiple submitters, no conflicts (2 of 4 stars). 5 submissions from 5 submitters: Benign (2); Likely benign (2). 1 of the submissions does not count toward it. Last evaluated 2025-12-21.

Conditions:
Smith-Magenis syndrome (SMS). Also called: CHROMOSOME 17p11.2 DELETION SYNDROME. Identifiers: Orphanet 819, MedGen C0795864, MONDO:0008434, OMIM 182290.
RAI1-related disorder. Also called: RAI1-related condition.
Inborn genetic diseases. Identifiers: MedGen C0950123, MeSH D030342.

Submissions (5):

Labcorp Genetics (formerly Invitae), Labcorp
Classification: Likely benign. Last evaluated: 2025-12-21. Review status: criteria provided, single submitter. Criteria: Invitae Variant Classification Sherloc (09022015). Collection method: clinical testing. Allele origin: germline.

CeGaT Center for Human Genetics Tuebingen
Classification: Benign. Last evaluated: 2022-10-01. Review status: criteria provided, single submitter. Criteria: CeGaT Center For Human Genetics Tuebingen Variant Classification Criteria Version 2. Collection method: clinical testing. Allele origin: germline. Affected: yes. Observed: 1 variant allele.
Comment: RAI1: BS1, BS2

Fulgent Genetics
Classification: Likely benign for Smith-Magenis syndrome. Last evaluated: 2022-05-03. Review status: criteria provided, single submitter. Criteria: ACMG Guidelines, 2015. Collection method: clinical testing. Allele origin: unknown.

Ambry Genetics
Classification: Benign for Inborn genetic diseases. Last evaluated: 2019-01-08. Review status: criteria provided, single submitter. Criteria: Ambry Variant Classification Scheme 2023. Collection method: clinical testing. Allele origin: germline.

PreventionGenetics, part of Exact Sciences
Classification: Likely benign for RAI1-related condition. Last evaluated: 2019-12-16. Review status: no assertion criteria provided. Collection method: clinical testing. Allele origin: germline. Not counted in ClinVar's aggregate classification.
Comment: This variant is classified as likely benign based on ACMG/AMP sequence variant interpretation guidelines (Richards et al. 2015 PMID: 25741868, with internal and published modifications).

NM_030665.4(RAI1):c.3731GCA[3] (p.Ser1247_Ser1249del)

Gene: RAI1 (retinoic acid induced 1; plus strand). Cytogenetic location: 17p11.2.
Variant type: Microsatellite.
Coding change: c.3731GCA[3] on transcript NM_030665.4 (MANE Select); three copies in a row of the 3-base unit GCA starting at c.3731; the reference has six copies in a row; three copies, 9 bases deleted; also written c.3740_3748del.
Protein change: p.Ser1247_Ser1249del.
Molecular consequence: inframe deletion.
Genome position (GRCh38, 1-based): chr17:17,796,688-17,796,696, GCAGCAGCA deleted; deleting any 9 consecutive bases within chr17:17,796,679-17,796,696 gives the same sequence; the position shown is the placement nearest the transcript's 3' end. VCF-style (leftmost placement, unchanged base first): chr17-17796678-CGCAGCAGCA-C. GRCh37 (hg19) VCF-style: chr17-17699992-CGCAGCAGCA-C.
Other names: c.3740_3748del (NM_030665.4); c.3740_3748del9 (NM_030665.3).
Identifiers: ClinVar variation 589217 (VCV000589217.38), dbSNP rs760919336, ClinGen allele CA8418806.